The following is an entry in ClinVar:

ClinVar aggregate classification (germline): Uncertain significance (1 of 4 stars; one submission).

Submission:

GeneDx
Classification: Uncertain significance. Last evaluated: 2022-05-12. Review status: criteria provided, single submitter. Criteria: GeneDx Variant Classification Process June 2021. Collection method: clinical testing. Allele origin: germline. Affected: yes.
Comment: Nonsense variant predicted to result in protein truncation as the last 93 amino acids are lost, although loss-of-function variants have not been reported downstream of this position in the protein; Not observed at significant frequency in large population cohorts (gnomAD); Has not been previously published as pathogenic or benign to our knowledge

NM_006160.4(NEUROD2):c.870C>G (p.Tyr290Ter)

Gene: NEUROD2 (neuronal differentiation 2; minus strand). Cytogenetic location: 17q12.
Variant type: single nucleotide variant.
Coding change: c.870C>G on transcript NM_006160.4 (MANE Select); coding-DNA position 870, C replaced by G.
Protein change: p.Tyr290Ter; replaces tyrosine 290 with a stop codon.
Molecular consequence: nonsense.
Genome position (GRCh38, 1-based): chr17:39,605,730, G>C on the plus strand (C>G on the coding strand, the complement: NEUROD2 is on the minus strand). VCF-style: chr17-39605730-G-C. GRCh37 (hg19) VCF-style: chr17-37761983-G-C.
Other names: short protein forms Y290*.
Identifiers: ClinVar variation 1723482 (VCV001723482.2), dbSNP rs2545857947, ClinGen allele CA398855902.